The following is an entry in ClinVar:

Conditions:
Long QT syndrome 5 (LQT5). Identifiers: Orphanet 101016, Orphanet 768, MedGen C1867904, MONDO:0013372, OMIM 613695.

Submission:

Roden Lab, Vanderbilt University Medical Center
No classification provided (evidence only). Condition: Long QT syndrome 5. Review status: no classification provided. Collection method: in vitro. Allele origin: not applicable. Functional consequence: Effect on ion channel function.
ClinVar note: "not provided" was previously submitted as the classification for the variant. However, the classification appeared to be based only on an observation of functional data so it was converted to no classification on 2025-07-30.

NM_000219.6(KCNE1):c.360A>T (p.Thr120=)

Gene: KCNE1 (potassium voltage-gated channel subfamily E regulatory subunit 1; minus strand). Cytogenetic location: 21q22.12.
Variant type: single nucleotide variant.
Coding change: c.360A>T on transcript NM_000219.6 (MANE Select); coding-DNA position 360, A replaced by T.
Protein change: p.Thr120=; no amino-acid change (threonine 120 retained).
Molecular consequence: synonymous variant.
Genome position (GRCh38, 1-based): chr21:34,449,275, T>A on the plus strand (A>T on the coding strand, the complement: KCNE1 is on the minus strand). VCF-style: chr21-34449275-T-A. GRCh37 (hg19) VCF-style: chr21-35821573-T-A.
Other names: c.360A>T, p.Thr120= (NM_001127668.4, NM_001127669.4, NM_001127670.4 and 4 more transcripts).
Identifiers: ClinVar variation 3373811 (VCV003373811.2).